The following is an entry in ClinVar:

ClinVar aggregate classification (germline): Likely benign. Review status: criteria provided, multiple submitters, no conflicts (2 of 4 stars). 3 submissions from 3 submitters: Likely benign (2). 1 of the submissions does not count toward it. Last evaluated 2024-09-15.

Conditions:
FRMPD4-related disorder. Also called: FRMPD4-related condition.

Allele frequency attached by ClinVar (database versions not stated): 1000 Genomes Project 0.00026; ExAC 0.00026; gnomAD exomes 0.00028 and 0.00033; gnomAD 0.00039 and 0.00044; 1000 Genomes Project 30x 0.00042; TOPMed 0.00048; ESP Exome Variant Server 0.00066.
gnomAD v4.1: 365 of 1,209,454 alleles (0.03%); highest among the groups gnomAD compares: Middle Eastern, 0.23%; 1 homozygote.

Submissions (3):

Blueprint Genetics
Classification: Likely benign. Last evaluated: 2024-09-15. Review status: criteria provided, single submitter. Criteria: ACMG Guidelines, 2015. Collection method: clinical testing. Allele origin: germline.

CeGaT Center for Human Genetics Tuebingen
Classification: Likely benign. Last evaluated: 2020-04-01. Review status: criteria provided, single submitter. Criteria: CeGaT Center For Human Genetics Tuebingen Variant Classification Criteria Version 2. Collection method: clinical testing. Allele origin: germline. Affected: yes. Observed: 3 variant alleles.

PreventionGenetics, part of Exact Sciences
Classification: Likely benign for FRMPD4-related condition. Last evaluated: 2022-05-17. Review status: no assertion criteria provided. Collection method: clinical testing. Allele origin: germline. Not counted in ClinVar's aggregate classification.
Comment: This variant is classified as likely benign based on ACMG/AMP sequence variant interpretation guidelines (Richards et al. 2015 PMID: 25741868, with internal and published modifications).

NM_001368397.1(FRMPD4):c.2878G>A (p.Ala960Thr)

Gene: FRMPD4 (FERM and PDZ domain containing 4; plus strand). Cytogenetic location: Xp22.2.
Variant type: single nucleotide variant.
Coding change: c.2878G>A on transcript NM_001368397.1 (MANE Select); coding-DNA position 2878, G replaced by A.
Protein change: p.Ala960Thr; replaces alanine 960 with threonine.
Molecular consequence: missense variant.
Genome position (GRCh38, 1-based): chrX:12,717,704, G>A. VCF-style: chrX-12717704-G-A. GRCh37 (hg19) VCF-style: chrX-12735823-G-A.
Other names: c.2989G>A, p.Ala997Thr (NM_001368395.3, NM_001368398.3); c.2884G>A, p.Ala962Thr (NM_001368396.3); c.2869G>A, p.Ala957Thr (NM_001368399.3); c.2758G>A, p.Ala920Thr (NM_001368400.3); c.2854G>A, p.Ala952Thr (NM_001368401.1, NM_001368402.3); c.2878G>A, p.Ala960Thr (NM_014728.3); short protein forms A960T, A952T, A920T, A957T, A997T, A962T.
Identifiers: ClinVar variation 425477 (VCV000425477.45), dbSNP rs138299368, ClinGen allele CA10349530.
Genomic context (GRCh38, chrX:12,717,704, plus strand): 5'-CACGAAGGCTACCACCCCCTTGCAGAAGAGCAGACCGAGTTCCCGGCCTCCAAGACCCCC[G>A]CTGGGGGCTTGCCTCCAAAGTCCTCGCACGCCCTGGCTGCTAGGCCAGCAACCGACCTCC-3'
Protein context (NP_001355326.1, residues 950-970): QTEFPASKTP[Ala960Thr]GGLPPKSSHA